The following is an entry in ClinVar:

NM_183357.3(ADCY5):c.676C>G (p.Leu226Val)

Gene: ADCY5 (adenylate cyclase 5; minus strand). Cytogenetic location: 3q21.1.
Variant type: single nucleotide variant.
Coding change: c.676C>G on transcript NM_183357.3 (MANE Select); coding-DNA position 676, C replaced by G.
Protein change: p.Leu226Val; replaces leucine 226 with valine.
Molecular consequence: missense variant.
Genome position (GRCh38, 1-based): chr3:123,447,870, G>C on the plus strand (C>G on the coding strand, the complement: ADCY5 is on the minus strand). VCF-style: chr3-123447870-G-C. GRCh37 (hg19) VCF-style: chr3-123166717-G-C.
Other names: c.676C>G, p.Leu226Val (NM_001378259.1); short protein forms L226V.
Identifiers: ClinVar variation 2788540 (VCV002788540.4), dbSNP rs1945855169, ClinGen allele CA354356976.

ClinVar aggregate classification (germline): Uncertain significance. Review status: criteria provided, multiple submitters, no conflicts (2 of 4 stars). 2 submissions from 2 submitters: Uncertain significance (2). Last evaluated 2026-08-06.

Conditions:
Dyskinesia with orofacial involvement, autosomal dominant (DSKOD). Also called: Familial Dyskinesia with Facial Myokymia (FDFM); Dyskinesia, familial, with facial myokymia; Familial dyskinesia and facial myokymia. Identifiers: Orphanet 324588, MedGen C1847627, MONDO:0800028, OMIM 606703.

Submissions (2):

OLLIN Analises Genomicas, OLLIN
Classification: Uncertain significance for Dyskinesia with orofacial involvement, autosomal dominant. Last evaluated: 2026-08-06. Review status: criteria provided, single submitter. Criteria: ACMG Guidelines 2015 PMID 25741868. Collection method: clinical testing. Allele origin: germline. Inheritance: Autosomal dominant inheritance.
Comment: This missense variant, located in exon 1 (of 21), is absent from gnomAD and has not been identified in the literature. However, it has been reported in ClinVar (accession VCV002788540.3). In silico analysis is inconclusive regarding the impact of this variant. This gene is constrained for missense variation. According to the currently available evidence, this variant has been classified as uncertain significance (PM2_P, PP2).

Labcorp Genetics (formerly Invitae), Labcorp
Classification: Uncertain significance. Last evaluated: 2025-03-17. Review status: criteria provided, single submitter. Criteria: Invitae Variant Classification Sherloc (09022015). Collection method: clinical testing. Allele origin: germline.
Comment: This sequence change replaces leucine, which is neutral and non-polar, with valine, which is neutral and non-polar, at codon 226 of the ADCY5 protein (p.Leu226Val). This variant is not present in population databases (gnomAD no frequency). This variant has not been reported in the literature in individuals affected with ADCY5-related conditions. ClinVar contains an entry for this variant (Variation ID: 2788540). Invitae Evidence Modeling of protein sequence and biophysical properties (such as structural, functional, and spatial information, amino acid conservation, physicochemical variation, residue mobility, and thermodynamic stability) has been performed for this missense variant. However, the output from this modeling did not meet the statistical confidence thresholds required to predict the impact of this variant on ADCY5 protein function. In summary, the available evidence is currently insufficient to determine the role of this variant in disease. Therefore, it has been classified as a Variant of Uncertain Significance.